The following is an entry in ClinVar:

NM_017780.4(CHD7):c.719A>G (p.Gln240Arg)

Gene: CHD7 (chromodomain helicase DNA binding protein 7; plus strand). Cytogenetic location: 8q12.2.
Variant type: single nucleotide variant.
Coding change: c.719A>G on transcript NM_017780.4 (MANE Select); coding-DNA position 719, A replaced by G.
Protein change: p.Gln240Arg; replaces glutamine 240 with arginine.
Molecular consequence: missense variant.
Genome position (GRCh38, 1-based): chr8:60,742,151, A>G. VCF-style: chr8-60742151-A-G. GRCh37 (hg19) VCF-style: chr8-61654710-A-G.
Other names: c.719A>G, p.Gln240Arg (NM_001316690.1); short protein forms Q240R.
Identifiers: ClinVar variation 1376476 (VCV001376476.6), dbSNP rs2150579002, ClinGen allele CA371299001.

ClinVar aggregate classification (germline): Uncertain significance (1 of 4 stars; one submission).

Conditions:
CHARGE syndrome (CHARGE). Also called: Hittner Hirsch Kreh syndrome; CHARGE ASSOCIATION--COLOBOMA, HEART ANOMALY, CHOANAL ATRESIA, RETARDATION, GENITAL AND EAR ANOMALIES; Coloboma, heart anomaly, choanal atresia, retardation, genital and ear anomalies; CHARGE association; Hall-Hittner syndrome. Identifiers: Orphanet 138, MedGen C0265354, MONDO:0008965.

Submission:

Labcorp Genetics (formerly Invitae), Labcorp
Classification: Uncertain significance for CHARGE syndrome. Last evaluated: 2024-08-12. Review status: criteria provided, single submitter. Criteria: Invitae Variant Classification Sherloc (09022015). Collection method: clinical testing. Allele origin: germline.
Comment: This sequence change replaces glutamine, which is neutral and polar, with arginine, which is basic and polar, at codon 240 of the CHD7 protein (p.Gln240Arg). This variant is not present in population databases (gnomAD no frequency). This variant has not been reported in the literature in individuals affected with CHD7-related conditions. ClinVar contains an entry for this variant (Variation ID: 1376476). Advanced modeling of protein sequence and biophysical properties (such as structural, functional, and spatial information, amino acid conservation, physicochemical variation, residue mobility, and thermodynamic stability) performed at Invitae indicates that this missense variant is not expected to disrupt CHD7 protein function with a negative predictive value of 95%. In summary, the available evidence is currently insufficient to determine the role of this variant in disease. Therefore, it has been classified as a Variant of Uncertain Significance.